The following is an entry in ClinVar:

ClinVar aggregate classification (germline): Pathogenic. Review status: criteria provided, multiple submitters, no conflicts (2 of 4 stars). 3 submissions from 3 submitters: Pathogenic (3). Last evaluated 2025-02-25.

Conditions:
Mitochondrial DNA depletion syndrome 1. Also called: Mitochondrial neurogastrointestinal encephalomyopathy syndrome; Mitochondrial Neurogastrointestinal Encephalopathy Disease; Mitochondrial DNA Depletion Syndrome, MNGIE Form; POLIP SYNDROME; POLYNEUROPATHY, OPHTHALMOPLEGIA, LEUKOENCEPHALOPATHY, AND INTESTINAL PSEUDOOBSTRUCTION; MITOCHONDRIAL NEUROGASTROINTESTINAL ENCEPHALOPATHY SYNDROME, TYMP-RELATED. Identifiers: Orphanet 298, MedGen C4551995, MONDO:0011283, OMIM 603041.

Allele frequency attached by ClinVar (database versions not stated): gnomAD exomes below 0.00001.

Submissions (3):

Myriad Genetics, Inc.
Classification: Pathogenic for Mitochondrial DNA depletion syndrome 1. Last evaluated: 2025-02-25. Review status: criteria provided, single submitter. Criteria: Myriad Autosomal Dominant, Autosomal Recessive and X-Linked Classification Criteria (2023). Collection method: clinical testing. Allele origin: unknown.
Comment: NM_001257989.1(TYMP):c.417+1G>A is a variant in a canonical splice site classified as pathogenic in the context of mitochondrial neurogastrointestinal encephalopathy disease. c.417+1G>A has been observed in cases with relevant disease (PMID: 34926160, 34170051). Relevant functional assessments of this variant are not available in the literature. c.417+1G>A has not been observed in referenced population frequency databases. In summary, NM_001257989.1(TYMP):c.417+1G>A is a variant in a canonical splice site in a gene where loss of function is a known mechanism of disease, is predicted to disrupt protein function, and has been observed more frequently in cases with the relevant disease than in healthy populations. Please note: this variant was assessed in the context of healthy population screening.

Baylor Genetics
Classification: Pathogenic for Mitochondrial DNA depletion syndrome 1. Last evaluated: 2024-01-21. Review status: criteria provided, single submitter. Criteria: ACMG Guidelines, 2015. Collection method: clinical testing. Allele origin: unknown.

Labcorp Genetics (formerly Invitae), Labcorp
Classification: Pathogenic. Last evaluated: 2023-10-27. Review status: criteria provided, single submitter. Criteria: Invitae Variant Classification Sherloc (09022015). Collection method: clinical testing. Allele origin: germline.
Comment: This sequence change affects a donor splice site in intron 3 of the TYMP gene. It is expected to disrupt RNA splicing. Variants that disrupt the donor or acceptor splice site typically lead to a loss of protein function (PMID: 16199547), and loss-of-function variants in TYMP are known to be pathogenic (PMID: 9924029, 15781193). This variant is not present in population databases (gnomAD no frequency). Disruption of this splice site has been observed in individual(s) with TYMP-related conditions (PMID: 34926160). ClinVar contains an entry for this variant (Variation ID: 964197). Algorithms developed to predict the effect of sequence changes on RNA splicing suggest that this variant may disrupt the consensus splice site. For these reasons, this variant has been classified as Pathogenic.

Literature cited by the submitters: PubMed 34170051 (cited by Myriad Genetics, Inc.); PubMed 34926160 (cited by Myriad Genetics, Inc. and Labcorp Genetics (formerly Invitae), Labcorp); PubMed 16199547 (cited by Labcorp Genetics (formerly Invitae), Labcorp); PubMed 9924029 (cited by Labcorp Genetics (formerly Invitae), Labcorp); PubMed 15781193 (cited by Labcorp Genetics (formerly Invitae), Labcorp).

NM_001953.5(TYMP):c.417+1G>A

Gene: TYMP (thymidine phosphorylase; minus strand). Cytogenetic location: 22q13.33.
Variant type: single nucleotide variant.
Coding change: c.417+1G>A on transcript NM_001953.5 (MANE Select); the canonical splice donor site of the intron after coding-DNA position 417, G replaced by A.
Molecular consequence: splice donor variant.
Genome position (GRCh38, 1-based): chr22:50,529,135, C>T on the plus strand (G>A on the coding strand, the complement: TYMP is on the minus strand). VCF-style: chr22-50529135-C-T. GRCh37 (hg19) VCF-style: chr22-50967564-C-T.
Other names: c.417+1G>A (NM_001257989.1, NM_001257988.1, NM_001113755.3 and 1 more transcripts).
Identifiers: ClinVar variation 964197 (VCV000964197.11), dbSNP rs1603442040, ClinGen allele CA412201901.